The following is an entry in ClinVar:

ClinVar aggregate classification (germline): Uncertain significance (1 of 4 stars; one submission).

Conditions:
Familial focal epilepsy with variable foci (FPEVF). Identifiers: Orphanet 98820, MedGen C1858477, MONDO:0020310.

Submission:

Labcorp Genetics (formerly Invitae), Labcorp
Classification: Uncertain significance for Familial focal epilepsy with variable foci. Last evaluated: 2024-10-31. Review status: criteria provided, single submitter. Criteria: Invitae Variant Classification Sherloc (09022015). Collection method: clinical testing. Allele origin: germline.
Comment: This sequence change replaces glycine, which is neutral and non-polar, with glutamic acid, which is acidic and polar, at codon 962 of the DEPDC5 protein (p.Gly962Glu). This variant is not present in population databases (gnomAD no frequency). This variant has not been reported in the literature in individuals affected with DEPDC5-related conditions. Experimental studies and prediction algorithms are not available or were not evaluated, and the functional significance of this variant is currently unknown. In summary, the available evidence is currently insufficient to determine the role of this variant in disease. Therefore, it has been classified as a Variant of Uncertain Significance.

NM_001242896.3(DEPDC5):c.2885G>A (p.Gly962Glu)

Gene: DEPDC5 (DEP domain containing 5, GATOR1 subcomplex subunit; plus strand). Cytogenetic location: 22q12.3.
Variant type: single nucleotide variant.
Coding change: c.2885G>A on transcript NM_001242896.3 (MANE Select); coding-DNA position 2885, G replaced by A.
Protein change: p.Gly962Glu; replaces glycine 962 with glutamic acid.
Molecular consequence: missense variant. On other transcripts: non-coding transcript variant (5).
Genome position (GRCh38, 1-based): chr22:31,845,101, G>A. VCF-style: chr22-31845101-G-A. GRCh37 (hg19) VCF-style: chr22-32241087-G-A.
Other names: c.2858G>A, p.Gly953Glu (NM_001136029.4, NM_001369903.1, NM_014662.6); c.2651G>A, p.Gly884Glu (NM_001242897.2, NM_001363854.2, NM_001364319.2); c.2885G>A, p.Gly962Glu (NM_001363852.2, NM_001364318.2, NM_001364320.2); c.2801G>A, p.Gly934Glu (NM_001369901.1, NM_001369902.1); short protein forms G934E, G884E, G953E, G962E.
Identifiers: ClinVar variation 3686659 (VCV003686659.2).